The following is an entry in ClinVar:

ClinVar aggregate classification (germline): Uncertain significance (1 of 4 stars; one submission).

Conditions:
Cardiovascular phenotype. Identifiers: MedGen CN230736.

Allele frequency attached by ClinVar (database versions not stated): TOPMed below 0.00001; ExAC 0.00001.

Submission:

Ambry Genetics
Classification: Uncertain significance for Cardiovascular phenotype. Last evaluated: 2023-09-06. Review status: criteria provided, single submitter. Criteria: Ambry Variant Classification Scheme 2023. Collection method: clinical testing. Allele origin: germline.
Comment: The c.4300_4306delTTCATGA variant, located in coding exon 25 of the SCN10A gene, results from a deletion of 7 nucleotides at nucleotide positions 4300 to 4306, causing a translational frameshift with a predicted alternate stop codon (p.F1434Qfs*11). This alteration is expected to result in loss of function by premature protein truncation or nonsense-mediated mRNA decay. However, the evidence for this gene-disease relationship is limited; therefore, the clinical significance of this alteration is unclear.

NM_006514.4(SCN10A):c.4300_4306del (p.Phe1434fs)

Gene: SCN10A (sodium voltage-gated channel alpha subunit 10; minus strand). Cytogenetic location: 3p22.2.
Variant type: Deletion.
Coding change: c.4300_4306del on transcript NM_006514.4 (MANE Select); coding-DNA positions 4300 to 4306, 7 bases deleted (TTCATGA; older notation c.4300_4306delTTCATGA).
Protein change: p.Phe1434fs; shifts the reading frame from phenylalanine 1434.
Molecular consequence: frameshift variant.
Genome position (GRCh38, 1-based): chr3:38,707,359-38,707,365, TCATGAA deleted on the plus strand (TTCATGA on the coding strand, the reverse complement: SCN10A is on the minus strand). VCF-style (leftmost placement, unchanged base first): chr3-38707358-GTCATGAA-G. GRCh37 (hg19) VCF-style: chr3-38748849-GTCATGAA-G.
Other names: c.4297_4303del, p.Phe1433fs (NM_001293306.2); c.4006_4012del, p.Phe1336fs (NM_001293307.2); short protein forms F1336fs, F1433fs, F1434fs.
Identifiers: ClinVar variation 2625774 (VCV002625774.2), dbSNP rs760479501, ClinGen allele CA2319936.